The following is an entry in ClinVar:

NM_144670.6(A2ML1):c.3339T>G (p.Asp1113Glu)

Gene: A2ML1 (alpha-2-macroglobulin like 1; plus strand). Cytogenetic location: 12p13.31.
Variant type: single nucleotide variant.
Coding change: c.3339T>G on transcript NM_144670.6 (MANE Select); coding-DNA position 3339, T replaced by G.
Protein change: p.Asp1113Glu; replaces aspartic acid 1113 with glutamic acid.
Molecular consequence: missense variant.
Genome position (GRCh38, 1-based): chr12:8,860,955, T>G. VCF-style: chr12-8860955-T-G. GRCh37 (hg19) VCF-style: chr12-9013551-T-G.
Other names: c.1866T>G, p.Asp622Glu (NM_001282424.3); short protein forms D622E, D1113E.
Identifiers: ClinVar variation 964833 (VCV000964833.9), dbSNP rs770954051, ClinGen allele CA6436339.
Genomic context (GRCh38, chr12:8,860,955, plus strand): 5'-TGAGGTCTCCTTGACTGCGTATGTCACAGCTGCATTGCTGGAGATGGGAAAGGATGTAGA[T>G]GTAAGTTCTCCTGGCTCCTGCTCTTGATACCCTCCTTCTCATGCGTATTCCTAGAGACAT-3'
Protein context (NP_653271.3, residues 1103-1123): AALLEMGKDV[Asp1113Glu]DPMVSQGLRC

ClinVar aggregate classification (germline): Uncertain significance (1 of 4 stars; one submission).

Allele frequency attached by ClinVar (database versions not stated): ExAC 0.00001; gnomAD 0.00001; gnomAD exomes 0.00001 and 0.00003; TOPMed 0.00002.

Submission:

Labcorp Genetics (formerly Invitae), Labcorp
Classification: Uncertain significance. Last evaluated: 2025-10-03. Review status: criteria provided, single submitter. Criteria: Invitae Variant Classification Sherloc (09022015). Collection method: clinical testing. Allele origin: germline.
Comment: This sequence change replaces aspartic acid, which is acidic and polar, with glutamic acid, which is acidic and polar, at codon 1113 of the A2ML1 protein (p.Asp1113Glu). This variant is present in population databases (rs770954051, gnomAD 0.004%). This variant has not been reported in the literature in individuals affected with A2ML1-related conditions. ClinVar contains an entry for this variant (Variation ID: 964833). An algorithm developed to predict the effect of missense changes on protein structure and function outputs the following: PolyPhen-2: "Benign". The glutamic acid amino acid residue is found in multiple mammalian species, which suggests that this missense change does not adversely affect protein function. In summary, the available evidence is currently insufficient to determine the role of this variant in disease. Therefore, it has been classified as a Variant of Uncertain Significance.